The following is an entry in ClinVar:

ClinVar aggregate classification (germline): Uncertain significance. Review status: criteria provided, multiple submitters, no conflicts (2 of 4 stars). 3 submissions from 3 submitters: Uncertain significance (3). Last evaluated 2024-04-03.

Conditions:
Alstrom syndrome (ALMS). Identifiers: Orphanet 64, MedGen C0268425, MONDO:0008763, OMIM 203800.
Cardiovascular phenotype. Identifiers: MedGen CN230736.

Allele frequency attached by ClinVar (database versions not stated): gnomAD exomes below 0.00001 and 0.00001; ExAC 0.00001; gnomAD 0.00001; TOPMed 0.00002.
gnomAD v4.1: 3 of 1,608,792 alleles (0.00019%); highest among the groups gnomAD compares: African/African-American, 0.004%; no homozygotes.

Submissions (3):

Ambry Genetics
Classification: Uncertain significance for Cardiovascular phenotype. Last evaluated: 2024-04-03. Review status: criteria provided, single submitter. Criteria: Ambry Variant Classification Scheme 2023. Collection method: clinical testing. Allele origin: germline.
Comment: The p.T1873I variant (also known as c.5618C>T), located in coding exon 8 of the ALMS1 gene, results from a C to T substitution at nucleotide position 5618. The threonine at codon 1873 is replaced by isoleucine, an amino acid with similar properties. This amino acid position is not well conserved in available vertebrate species. In addition, this alteration is predicted to be tolerated by in silico analysis. Since supporting evidence is limited at this time, the clinical significance of this alteration remains unclear.

Fulgent Genetics
Classification: Uncertain significance for Alstrom syndrome. Last evaluated: 2021-10-08. Review status: criteria provided, single submitter. Criteria: ACMG Guidelines, 2015. Collection method: clinical testing. Allele origin: unknown.

Labcorp Genetics (formerly Invitae), Labcorp
Classification: Uncertain significance for Alstrom syndrome. Last evaluated: 2021-09-25. Review status: criteria provided, single submitter. Criteria: Invitae Variant Classification Sherloc (09022015). Collection method: clinical testing. Allele origin: germline.
Comment: This sequence change replaces threonine with isoleucine at codon 1873 of the ALMS1 protein (p.Thr1873Ile). The threonine residue is weakly conserved and there is a moderate physicochemical difference between threonine and isoleucine. This variant is present in population databases (rs762339692, ExAC 0.01%). This variant has not been reported in the literature in individuals affected with ALMS1-related conditions. Experimental studies and prediction algorithms are not available or were not evaluated, and the functional significance of this variant is currently unknown. In summary, the available evidence is currently insufficient to determine the role of this variant in disease. Therefore, it has been classified as a Variant of Uncertain Significance.

NM_001378454.1(ALMS1):c.5615C>T (p.Thr1872Ile)

Gene: ALMS1 (ALMS1 centrosome and basal body associated protein; plus strand). Cytogenetic location: 2p13.1.
Variant type: single nucleotide variant.
Coding change: c.5615C>T on transcript NM_001378454.1 (MANE Select); coding-DNA position 5615, C replaced by T.
Protein change: p.Thr1872Ile; replaces threonine 1872 with isoleucine.
Molecular consequence: missense variant.
Genome position (GRCh38, 1-based): chr2:73,452,142, C>T. VCF-style: chr2-73452142-C-T. GRCh37 (hg19) VCF-style: chr2-73679269-C-T.
Other names: c.5618C>T, p.Thr1873Ile (NM_015120.4); short protein forms T1873I, T1872I.
Identifiers: ClinVar variation 1440841 (VCV001440841.7), dbSNP rs762339692, ClinGen allele CA1713915.